The following is an entry in ClinVar:

ClinVar aggregate classification (germline): Uncertain significance (1 of 4 stars; one submission).

Conditions:
Familial thoracic aortic aneurysm and aortic dissection (TAAD). Also called: Thoracic aortic aneurysms and dissections. Identifiers: Orphanet 91387, MedGen C4707243, MONDO:0019625.

Submission:

Labcorp Genetics (formerly Invitae), Labcorp
Classification: Uncertain significance for Familial thoracic aortic aneurysm and aortic dissection. Last evaluated: 2022-07-13. Review status: criteria provided, single submitter. Criteria: Invitae Variant Classification Sherloc (09022015). Collection method: clinical testing. Allele origin: germline.
Comment: This variant is not present in population databases (gnomAD no frequency). In summary, the available evidence is currently insufficient to determine the role of this variant in disease. Therefore, it has been classified as a Variant of Uncertain Significance. Algorithms developed to predict the effect of sequence changes on RNA splicing suggest that this variant may create or strengthen a splice site. Advanced modeling of protein sequence and biophysical properties (such as structural, functional, and spatial information, amino acid conservation, physicochemical variation, residue mobility, and thermodynamic stability) performed at Invitae indicates that this missense variant is expected to disrupt TGFBR2 protein function. This variant has not been reported in the literature in individuals affected with TGFBR2-related conditions. This sequence change replaces aspartic acid, which is acidic and polar, with tyrosine, which is neutral and polar, at codon 469 of the TGFBR2 protein (p.Asp469Tyr).

NM_003242.6(TGFBR2):c.1405G>T (p.Asp469Tyr)

Gene: TGFBR2 (transforming growth factor beta receptor 2; plus strand). Cytogenetic location: 3p24.1.
Variant type: single nucleotide variant.
Coding change: c.1405G>T on transcript NM_003242.6 (MANE Select); coding-DNA position 1405, G replaced by T.
Protein change: p.Asp469Tyr; replaces aspartic acid 469 with tyrosine.
Molecular consequence: missense variant.
Genome position (GRCh38, 1-based): chr3:30,688,392, G>T. VCF-style: chr3-30688392-G-T. GRCh37 (hg19) VCF-style: chr3-30729884-G-T.
Other names: c.1480G>T, p.Asp494Tyr (NM_001024847.3); c.1588G>T, p.Asp530Tyr (NM_001407126.1); c.1513G>T, p.Asp505Tyr (NM_001407127.1); c.1432G>T, p.Asp478Tyr (NM_001407128.1); c.1408G>T, p.Asp470Tyr (NM_001407129.1); c.1402G>T, p.Asp468Tyr (NM_001407130.1); c.1300G>T, p.Asp434Tyr (NM_001407132.1, NM_001407133.1, NM_001407134.1 and 2 more transcripts); c.1120G>T, p.Asp374Tyr (NM_001407137.1); and 2 more; short protein forms D434Y, D468Y, D478Y, D530Y, D470Y, D494Y, D179Y, D374Y.
Identifiers: ClinVar variation 1983072 (VCV001983072.4), dbSNP rs1407331537, ClinGen allele CA351809206.